The following is an entry in ClinVar:

NM_015158.5(KANK1):c.1801G>A (p.Glu601Lys)

Gene: KANK1 (KN motif and ankyrin repeat domains 1; plus strand). Cytogenetic location: 9p24.3.
Variant type: single nucleotide variant.
Coding change: c.1801G>A on transcript NM_015158.5 (MANE Select); coding-DNA position 1801, G replaced by A.
Protein change: p.Glu601Lys; replaces glutamic acid 601 with lysine.
Molecular consequence: missense variant. On other transcripts: non-coding transcript variant (1).
Genome position (GRCh38, 1-based): chr9:712,567, G>A. VCF-style: chr9-712567-G-A. GRCh37 (hg19) VCF-style: chr9-712567-G-A.
Other names: c.1801G>A, p.Glu601Lys (NM_001256876.3, NM_001256877.3, NM_001354331.2 and 2 more transcripts); c.1327G>A, p.Glu443Lys (NM_001354342.2, NM_001354343.2, NM_001354344.2 and 9 more transcripts); short protein forms E601K, E443K.
Identifiers: ClinVar variation 445518 (VCV000445518.19), dbSNP rs115020236, ClinGen allele CA4960323.

ClinVar aggregate classification (germline): Conflicting classifications of pathogenicity. Review status: criteria provided, conflicting classifications (1 of 4 stars). 4 submissions from 4 submitters: Uncertain significance (1); Benign (1); Likely benign (2). Last evaluated 2026-03-01.

Allele frequency attached by ClinVar (database versions not stated): gnomAD exomes 0.00023 and 0.00064; ExAC 0.00083; gnomAD 0.00223 and 0.00239; TOPMed 0.00255; ESP Exome Variant Server 0.00346; 1000 Genomes Project 0.00359; 1000 Genomes Project 30x 0.00375.
gnomAD v4.1: 682 of 1,614,188 alleles (0.042%); highest among the groups gnomAD compares: African/African-American, 0.79%; 6 homozygotes.

Submissions (4):

CeGaT Center for Human Genetics Tuebingen
Classification: Benign. Last evaluated: 2026-03-01. Review status: criteria provided, single submitter. Criteria: CeGaT Center For Human Genetics Tuebingen Variant Classification Criteria Version 2. Collection method: clinical testing. Allele origin: germline. Affected: yes. Observed: 3 variant alleles.
Comment: KANK1: BS1, BS2

Labcorp Genetics (formerly Invitae), Labcorp
Classification: Likely benign. Last evaluated: 2025-12-25. Review status: criteria provided, single submitter. Criteria: Invitae Variant Classification Sherloc (09022015). Collection method: clinical testing. Allele origin: germline.

Clinical Genomics Laboratory, Washington University in St. Louis
Classification: Uncertain significance. Last evaluated: 2024-05-26. Review status: criteria provided, single submitter. Criteria: ACMG Guidelines, 2015. Collection method: clinical testing. Allele origin: germline.
Comment: A KANK1 c.1801G>A (p.Glu601Lys) variant was identified. This variant, to our knowledge, has not been reported in the medical literature. It is observed on 225/282,634 alleles in the general population (gnomAD v.2.1.1). This variant has been reported in the ClinVar database as a germline variant and classified as likely benign by two submitters (ClinVar ID: 445518). Computational predictors are uncertain as to the impact of this variant on CUBN function. Due to limited information, and based on ACMG/AMP guidelines for variant interpretation (Richards S et al., PMID: 25741868), the clinical significance of this variant is uncertain at this time.

Center for Pediatric Genomic Medicine, Children's Mercy Hospital and Clinics
Classification: Likely benign. Last evaluated: 2017-09-06. Review status: criteria provided, single submitter. Criteria: ACMG Guidelines, 2015. Collection method: clinical testing. Allele origin: germline.